The following is an entry in ClinVar:

ClinVar aggregate classification (germline): Conflicting classifications of pathogenicity. Review status: criteria provided, conflicting classifications (1 of 4 stars). 4 submissions from 4 submitters: Uncertain significance (3); Likely benign (1). Last evaluated 2025-12-05.

Conditions:
Arrhythmogenic cardiomyopathy with wooly hair and keratoderma. Also called: Carvajal syndrome; PALMOPLANTAR KERATODERMA WITH LEFT VENTRICULAR CARDIOMYOPATHY AND WOOLLY HAIR; Arrhythmogenic cardiomyopathy with woolly hair and keratoderma; Dilated cardiomyopathy with woolly hair and keratoderma. Identifiers: Orphanet 65282, MedGen C1854063, MONDO:0011581, OMIM 605676.
Arrhythmogenic right ventricular dysplasia 8 (ARVD8). Also called: Arrhythmogenic Right Ventricular Dysplasia/Cardiomyopathy 8; ARRHYTHMOGENIC RIGHT VENTRICULAR DYSPLASIA, FAMILIAL, 8; ARRHYTHMOGENIC RIGHT VENTRICULAR CARDIOMYOPATHY 8. Identifiers: MedGen C1843896, MONDO:0011831, OMIM 607450.
Cardiomyopathy (CMYO). Also called: Cardiomyopathies. Identifiers: Orphanet 167848, MedGen C0878544, MONDO:0004994, HP:0001638. Inheritance: Various modes of inheritance.
Cardiovascular phenotype. Identifiers: MedGen CN230736.

Allele frequency attached by ClinVar (database versions not stated): gnomAD exomes 0.00001; ExAC 0.00002.
gnomAD v4.1: 6 of 1,614,208 alleles (0.00037%); highest among the groups gnomAD compares: Non-Finnish European, 0.00042%; no homozygotes.

Submissions (4):

Ambry Genetics
Classification: Uncertain significance for Cardiovascular phenotype. Last evaluated: 2025-12-05. Review status: criteria provided, single submitter. Criteria: Ambry Variant Classification Scheme 2023. Collection method: clinical testing. Allele origin: germline.
Comment: The p.D2579N variant (also known as c.7735G>A), located in coding exon 24 of the DSP gene, results from a G to A substitution at nucleotide position 7735. The aspartic acid at codon 2579 is replaced by asparagine, an amino acid with highly similar properties. This amino acid position is highly conserved in available vertebrate species. In addition, this alteration is predicted to be tolerated by in silico analysis. Based on the available evidence, the clinical significance of this variant remains unclear.

Color Diagnostics, LLC DBA Color Health
Classification: Uncertain significance for Cardiomyopathy. Last evaluated: 2025-05-05. Review status: criteria provided, single submitter. Criteria: ACMG Guidelines, 2015. Collection method: clinical testing. Allele origin: germline.
Comment: This missense variant replaces aspartic acid with asparagine at codon 2579 of the DSP protein. Computational prediction suggests that this variant may not impact protein structure and function. To our knowledge, functional studies have not been reported for this variant. This variant has not been reported in individuals affected with cardiovascular disorders in the literature. This variant has been identified in 3/251494 chromosomes in the general population by the Genome Aggregation Database (gnomAD). The available evidence is insufficient to determine the role of this variant in disease conclusively. Therefore, this variant is classified as a Variant of Uncertain Significance.

Labcorp Genetics (formerly Invitae), Labcorp
Classification: Likely benign for Arrhythmogenic cardiomyopathy with wooly hair and keratoderma; Arrhythmogenic right ventricular dysplasia 8. Last evaluated: 2024-08-07. Review status: criteria provided, single submitter. Criteria: Invitae Variant Classification Sherloc (09022015). Collection method: clinical testing. Allele origin: germline.

GeneDx
Classification: Uncertain significance. Last evaluated: 2015-12-07. Review status: criteria provided, single submitter. Criteria: GeneDx Variant Classification (06012015). Collection method: clinical testing. Allele origin: germline. Affected: yes.
Comment: A novel variant of uncertain significance has been identified in the DSP gene. The D2579N variant has not been published as a pathogenic variant, nor has it been reported as a benign variant to our knowledge. This variant was not observed in approximately 6,500 individuals of European and African American ancestry in the NHLBI Exome Sequencing Project, indicating it is not a common benign variant in these populations. The D2579N variant is a semi-conservative amino acid substitution, which may impact secondary protein structure as these residues differ in some properties. This substitution occurs at a position that is conserved across species. However, in silico analysis is inconsistent in its predictions as to whether or not the variant is damaging to the protein structure/function. Furthermore, no missense variants in nearby residues have been reported in the Human Gene Mutation Database (Stenson et al., 2014), indicating this region of the gene is not known to harbor disease-causing variants. Therefore, based on the currently available information, it is unclear whether this variant is pathogenic or benign.

NM_004415.4(DSP):c.7735G>A (p.Asp2579Asn)

Gene: DSP (desmoplakin; plus strand). Cytogenetic location: 6p24.3.
Variant type: single nucleotide variant.
Coding change: c.7735G>A on transcript NM_004415.4 (MANE Select); coding-DNA position 7735, G replaced by A.
Protein change: p.Asp2579Asn; replaces aspartic acid 2579 with asparagine.
Molecular consequence: missense variant.
Genome position (GRCh38, 1-based): chr6:7,584,997, G>A. VCF-style: chr6-7584997-G-A. GRCh37 (hg19) VCF-style: chr6-7585230-G-A.
Other names: c.5938G>A, p.Asp1980Asn (NM_001008844.3); c.6406G>A, p.Asp2136Asn (NM_001319034.2); c.7735G>A (LRG_423t1); short protein forms D2579N, D2136N, D1980N.
Identifiers: ClinVar variation 420233 (VCV000420233.18), dbSNP rs750744914, ClinGen allele CA050579.